The following is an entry in ClinVar:

NM_001845.6(COL4A1):c.2890G>C (p.Glu964Gln)

Gene: COL4A1 (collagen type IV alpha 1 chain; minus strand). Cytogenetic location: 13q34.
Variant type: single nucleotide variant.
Coding change: c.2890G>C on transcript NM_001845.6 (MANE Select); coding-DNA position 2890, G replaced by C.
Protein change: p.Glu964Gln; replaces glutamic acid 964 with glutamine.
Molecular consequence: missense variant.
Genome position (GRCh38, 1-based): chr13:110,176,704, C>G on the plus strand (G>C on the coding strand, the complement: COL4A1 is on the minus strand). VCF-style: chr13-110176704-C-G. GRCh37 (hg19) VCF-style: chr13-110829051-C-G.
Other names: short protein forms E964Q.
Identifiers: ClinVar variation 452767 (VCV000452767.3), dbSNP rs1555303045, ClinGen allele CA388666423.

ClinVar aggregate classification (germline): Uncertain significance. Review status: criteria provided, multiple submitters, no conflicts (2 of 4 stars). 2 submissions from 2 submitters: Uncertain significance (2). Last evaluated 2025-10-27.

Submissions (2):

Labcorp Genetics (formerly Invitae), Labcorp
Classification: Uncertain significance. Last evaluated: 2025-10-27. Review status: criteria provided, single submitter. Criteria: Invitae Variant Classification Sherloc (09022015). Collection method: clinical testing. Allele origin: germline.
Comment: This sequence change replaces glutamic acid, which is acidic and polar, with glutamine, which is neutral and polar, at codon 964 of the COL4A1 protein (p.Glu964Gln). This variant is not present in population databases (gnomAD no frequency). This variant has not been reported in the literature in individuals affected with COL4A1-related conditions. ClinVar contains an entry for this variant (Variation ID: 452767). Invitae Evidence Modeling of protein sequence and biophysical properties (such as structural, functional, and spatial information, amino acid conservation, physicochemical variation, residue mobility, and thermodynamic stability) indicates that this missense variant is not expected to disrupt COL4A1 protein function with a negative predictive value of 95%. In summary, the available evidence is currently insufficient to determine the role of this variant in disease. Therefore, it has been classified as a Variant of Uncertain Significance.

GeneDx
Classification: Uncertain significance. Last evaluated: 2017-10-16. Review status: criteria provided, single submitter. Criteria: GeneDx Variant Classification (06012015). Collection method: clinical testing. Allele origin: germline. Affected: yes.
Comment: The E964Q variant in the COL4A1 gene has not been reported previously as a pathogenic variant, nor as a benign variant, to our knowledge. The E964Q variant is not observed in large population cohorts (Lek et al., 2016). The E964Q variant is a semi-conservative amino acid substitution, which may impact secondary protein structure as these residues differ in some properties. This substitution occurs at a position that is not conserved, and in silico analysis is inconsistent in its predictions as to whether or not the variant is damaging to the protein structure/function. We interpret E964Q as a variant of uncertain significance.